The following is an entry in ClinVar:

NM_145728.3(SYNM):c.153C>G (p.Gly51=)

Genes: SYNM (synemin; plus strand), SYNM-AS1 (SYNM antisense RNA 1; minus strand), LOC130058014 (ATAC-STARR-seq lymphoblastoid silent region 6864; plus strand). Cytogenetic location: 15q26.3.
Variant type: single nucleotide variant.
Coding change: c.153C>G on transcript NM_145728.3 (MANE Select); coding-DNA position 153, C replaced by G.
Protein change: p.Gly51=; no amino-acid change (glycine 51 retained).
Molecular consequence: synonymous variant.
Genome position (GRCh38, 1-based): chr15:99,105,352, C>G. VCF-style: chr15-99105352-C-G. GRCh37 (hg19) VCF-style: chr15-99645558-C-G.
Other names: c.153C>G, p.Gly51= (NM_015286.6).
Identifiers: ClinVar variation 3032617 (VCV003032617.2), dbSNP rs1290820592, ClinGen allele CA492680416.

ClinVar aggregate classification (germline): Likely benign (0 of 4 stars; one submission).

Conditions:
SYNM-related disorder. Also called: SYNM-related condition.

Submission:

PreventionGenetics, part of Exact Sciences
Classification: Likely benign for SYNM-related condition. Last evaluated: 2020-09-03. Review status: no assertion criteria provided. Collection method: clinical testing. Allele origin: germline.
Comment: This variant is classified as likely benign based on ACMG/AMP sequence variant interpretation guidelines (Richards et al. 2015 PMID: 25741868, with internal and published modifications).